The following is an entry in ClinVar:

ClinVar aggregate classification (germline): Uncertain significance (1 of 4 stars; one submission).

Conditions:
NACC1-related disorder. Also called: NACC1-related condition.

Submission:

PreventionGenetics, part of Exact Sciences
Classification: Uncertain significance for NACC1-related condition. Last evaluated: 2025-03-19. Review status: criteria provided, single submitter. Criteria: ACMG Guidelines, 2015. Collection method: clinical testing. Allele origin: germline.
Comment: The NACC1 c.699_725del27 variant is predicted to result in an in-frame deletion (p.Val235_Ala243del). To our knowledge, this variant has not been reported in the literature or in a large population database (gnomAD), indicating this variant is rare. At this time, the clinical significance of this variant is uncertain due to the absence of conclusive functional and genetic evidence.

NM_052876.4(NACC1):c.699_725del (p.Val235_Ala243del)

Gene: NACC1 (nucleus accumbens associated 1; plus strand). Cytogenetic location: 19p13.13.
Variant type: Deletion.
Coding change: c.699_725del on transcript NM_052876.4 (MANE Select); coding-DNA positions 699 to 725, 27 bases deleted (CGCCGTGGCTGCGGGAGCAGGGCAGCC).
Protein change: p.Val235_Ala243del.
Molecular consequence: inframe deletion.
Genome position (GRCh38, 1-based): chr19:13,135,906-13,135,932, CGCCGTGGCTGCGGGAGCAGGGCAGCC deleted; deleting any 27 consecutive bases within chr19:13,135,901-13,135,932 gives the same sequence; the c. name uses the placement nearest the transcript's 3' end. VCF-style (leftmost placement, unchanged base first): chr19-13135900-CCAGCCCGCCGTGGCTGCGGGAGCAGGG-C. GRCh37 (hg19) VCF-style: chr19-13246714-CCAGCCCGCCGTGGCTGCGGGAGCAGGG-C.
Identifiers: ClinVar variation 4997224 (VCV004997224.1).